The following is an entry in ClinVar:

NM_001393769.1(MED12L):c.4479-1G>A

Genes: MED12L (mediator complex subunit 12L; plus strand), P2RY12 (purinergic receptor P2Y12; minus strand). Cytogenetic location: 3q25.1.
Variant type: single nucleotide variant.
Coding change: c.4479-1G>A on transcript NM_001393769.1 (MANE Select); the canonical splice acceptor site of the intron before coding-DNA position 4479, G replaced by A.
Molecular consequence: splice acceptor variant. On other transcripts: intron variant (1).
Genome position (GRCh38, 1-based): chr3:151,380,112, G>A. VCF-style: chr3-151380112-G-A. GRCh37 (hg19) VCF-style: chr3-151097900-G-A.
Other names: c.4374-1G>A (NM_053002.6); c.-180+4580C>T (NM_022788.5).
Identifiers: ClinVar variation 870508 (VCV000870508.2), dbSNP rs1711989766, ClinGen allele CA354973379.

ClinVar aggregate classification (germline): Uncertain significance. Review status: criteria provided, single submitter (1 of 4 stars). 2 submissions from 2 submitters: Uncertain significance (1). 1 of the submissions does not count toward it. Last evaluated 2024-11-16.

Conditions:
Nizon-Isidor syndrome. Identifiers: MedGen C5394350, MONDO:0030030, OMIM 618872.
MED12L-related disorder. Also called: MED12L-related condition.

gnomAD v4.1: 2 of 1,561,314 alleles (0.00013%); no homozygotes.

Submissions (2):

PreventionGenetics, part of Exact Sciences
Classification: Uncertain significance for MED12L-related condition. Last evaluated: 2024-11-16. Review status: criteria provided, single submitter. Criteria: ACMG Guidelines, 2015. Collection method: clinical testing. Allele origin: germline.
Comment: The MED12L c.4374-1G>A variant is predicted to disrupt the AG splice acceptor site and interfere with normal splicing. This variant has been reported in an individual with mild intellectual disability, speech impairment, and abnormal behavior (Nizon et al. 2019. PubMed ID: 31155615). This variant has not been reported in a large population database (gnomAD), indicating this variant is rare. Although we suspect that this variant may be pathogenic, at this time, the clinical significance of this variant is uncertain due to the absence of conclusive functional and genetic evidence.

OMIM
Classification: Pathogenic for NIZON-ISIDOR SYNDROME. Last evaluated: 2020-05-05. Review status: no assertion criteria provided. Collection method: literature only. Allele origin: germline. Not counted in ClinVar's aggregate classification.

Literature cited by the submitters: PubMed 31155615 (cited by OMIM).